The following is an entry in ClinVar:

NM_002485.5(NBN):c.486A>G (p.Ile162Met)

Gene: NBN (nibrin; minus strand). Cytogenetic location: 8q21.3.
Variant type: single nucleotide variant.
Coding change: c.486A>G on transcript NM_002485.5 (MANE Select); coding-DNA position 486, A replaced by G.
Protein change: p.Ile162Met; replaces isoleucine 162 with methionine.
Molecular consequence: missense variant.
Genome position (GRCh38, 1-based): chr8:89,978,318, T>C on the plus strand (A>G on the coding strand, the complement: NBN is on the minus strand). VCF-style: chr8-89978318-T-C. GRCh37 (hg19) VCF-style: chr8-90990546-T-C.
Other names: c.240A>G, p.Ile80Met (NM_001024688.3); short protein forms I162M, I80M.
Identifiers: ClinVar variation 485922 (VCV000485922.14), dbSNP rs1554566760, ClinGen allele CA371660713.

ClinVar aggregate classification (germline): Uncertain significance. Review status: criteria provided, multiple submitters, no conflicts (2 of 4 stars). 3 submissions from 3 submitters: Uncertain significance (3). Last evaluated 2023-05-18.

Conditions:
Microcephaly, normal intelligence and immunodeficiency (NBS). Also called: BERLIN BREAKAGE SYNDROME; Ataxia telangiectasia variant V1; IMMUNODEFICIENCY, MICROCEPHALY, AND CHROMOSOMAL INSTABILITY; SEEMANOVA SYNDROME II; Immunodeficiency, microcephaly with normal intelligence; Nijmegen breakage syndrome. Identifiers: Orphanet 647, MedGen C0398791, MONDO:0009623, OMIM 251260.
Hereditary cancer-predisposing syndrome. Also called: Tumor predisposition; Neoplastic Syndromes, Hereditary; Hereditary Cancer Syndrome; Hereditary neoplastic syndrome. Identifiers: Orphanet 140162, MedGen C0027672, MeSH D009386, MONDO:0015356.

Submissions (3):

Labcorp Genetics (formerly Invitae), Labcorp
Classification: Uncertain significance for Microcephaly, normal intelligence and immunodeficiency. Last evaluated: 2023-05-18. Review status: criteria provided, single submitter. Criteria: Invitae Variant Classification Sherloc (09022015). Collection method: clinical testing. Allele origin: germline.
Comment: In summary, the available evidence is currently insufficient to determine the role of this variant in disease. Therefore, it has been classified as a Variant of Uncertain Significance. An algorithm developed to predict the effect of missense changes on protein structure and function (PolyPhen-2) suggests that this variant is likely to be disruptive. ClinVar contains an entry for this variant (Variation ID: 485922). This variant has not been reported in the literature in individuals affected with NBN-related conditions. This variant is not present in population databases (gnomAD no frequency). This sequence change replaces isoleucine, which is neutral and non-polar, with methionine, which is neutral and non-polar, at codon 162 of the NBN protein (p.Ile162Met).

Ambry Genetics
Classification: Uncertain significance for Hereditary cancer-predisposing syndrome. Last evaluated: 2022-07-13. Review status: criteria provided, single submitter. Criteria: Ambry Variant Classification Scheme 2023. Collection method: clinical testing. Allele origin: germline.
Comment: The p.I162M variant (also known as c.486A>G), located in coding exon 5 of the NBN gene, results from an A to G substitution at nucleotide position 486. The isoleucine at codon 162 is replaced by methionine, an amino acid with highly similar properties. This amino acid position is highly conserved in available vertebrate species. In addition, the in silico prediction for this alteration is inconclusive. Since supporting evidence is limited at this time, the clinical significance of this alteration remains unclear.

Genome-Nilou Lab
Classification: Uncertain significance for Microcephaly, normal intelligence and immunodeficiency. Last evaluated: 2021-11-07. Review status: criteria provided, single submitter. Criteria: ACMG Guidelines, 2015. Collection method: clinical testing. Allele origin: germline. Affected: no.